The following is an entry in ClinVar:

NM_001080467.3(MYO5B):c.1545+11T>C

Gene: MYO5B (myosin VB; minus strand). Cytogenetic location: 18q21.1.
Variant type: single nucleotide variant.
Coding change: c.1545+11T>C on transcript NM_001080467.3 (MANE Select); 11 bases into the intron after coding-DNA position 1545, T replaced by C.
Molecular consequence: intron variant.
Genome position (GRCh38, 1-based): chr18:49,962,255, A>G on the plus strand (T>C on the coding strand, the complement: MYO5B is on the minus strand). VCF-style: chr18-49962255-A-G. GRCh37 (hg19) VCF-style: chr18-47488625-A-G.
Identifiers: ClinVar variation 327063 (VCV000327063.24), dbSNP rs17715416, ClinGen allele CA8961502.
Genomic context (GRCh38, chr18:49,962,255, plus strand): 5'-GAGATCTTATGTGATTTCCTTGTATCACATCCCTACCCTAGAATTGAACTAATTTGCATC[A>G]TCAGTTTTACCTTACATTCTTCATCCAACAGGTCCAAGATACCCAGCTTGGCTTCAATGA-3'

ClinVar aggregate classification (germline): Benign. Review status: criteria provided, multiple submitters, no conflicts (2 of 4 stars). 7 submissions from 7 submitters: Benign (6). 1 of the submissions does not count toward it. Last evaluated 2026-02-04.

Conditions:
Congenital microvillous atrophy (DIAR2). Also called: DAVIDSON DISEASE; MICROVILLUS ATROPHY, CONGENITAL; Microvillus inclusion disease; Diarrhea 2 with microvillus atrophy, with or without cholestasis; CONGENITAL FAMILIAL PROTRACTED DIARRHEA WITH ENTEROCYTE BRUSH-BORDER ABNORMALITIES. Identifiers: Orphanet 2290, MedGen C0341306, MONDO:0009635, OMIM 251850.

Allele frequency attached by ClinVar (database versions not stated): ESP Exome Variant Server 0.32069; 1000 Genomes Project 0.32228; 1000 Genomes Project 30x 0.32480; TOPMed 0.32953; gnomAD 0.33063; ExAC 0.38251; gnomAD exomes 0.38390 and 0.38709.
gnomAD v4.1: 611,246 of 1,613,492 alleles (38%); highest among the groups gnomAD compares: South Asian, 52%; 119,175 homozygotes.

Submissions (7):

Labcorp Genetics (formerly Invitae), Labcorp
Classification: Benign. Last evaluated: 2026-02-04. Review status: criteria provided, single submitter. Criteria: Invitae Variant Classification Sherloc (09022015). Collection method: clinical testing. Allele origin: germline.

GeneDx
Classification: Benign. Last evaluated: 2021-06-19. Review status: criteria provided, single submitter. Criteria: GeneDx Variant Classification Process June 2021. Collection method: clinical testing. Allele origin: germline. Affected: yes.

Illumina Laboratory Services, Illumina
Classification: Benign for Congenital microvillous atrophy. Last evaluated: 2018-01-13. Review status: criteria provided, single submitter. Criteria: ICSL Variant Classification Criteria 13 December 2019. Collection method: clinical testing. Allele origin: germline.
Comment: This variant was observed in the ICSL laboratory as part of a predisposition screen in an ostensibly healthy population. It had not been previously curated by ICSL or reported in the Human Gene Mutation Database (HGMD: prior to June 1st, 2018), and was therefore a candidate for classification through an automated scoring system. Utilizing variant allele frequency, disease prevalence and penetrance estimates, and inheritance mode, an automated score was calculated to assess if this variant is too frequent to cause the disease. Based on the score and internal cut-off values, a variant classified as benign is not then subjected to further curation. The score for this variant resulted in a classification of benign for this disease.

Laboratory for Molecular Medicine, Mass General Brigham Personalized Medicine
Classification: Benign. Last evaluated: 2016-03-28. Review status: criteria provided, single submitter. Criteria: LMM Criteria. Collection method: clinical testing. Allele origin: germline.
Comment: Variant identified in a genome or exome case(s) and assessed due to predicted null impact of the variant or pathogenic assertions in the literature or databases. Disclaimer: This variant has not undergone full assessment. The following are preliminary notes: Frequency

Genome Diagnostics Laboratory, University Medical Center Utrecht
Classification: Benign for Congenital microvillous atrophy. Last evaluated: 2014-10-09. Review status: criteria provided, single submitter. Criteria: ACGS Guidelines, 2013. Collection method: clinical testing. Allele origin: germline. Affected: yes. Study: VKGL Data-share Consensus.

Breakthrough Genomics
Classification: Benign. Review status: criteria provided, single submitter. Criteria: ACMG Guidelines, 2015. Collection method: not provided. Allele origin: germline. Inheritance: Autosomal recessive inheritance. Affected: yes.

Diagnostic Laboratory, Department of Genetics, University Medical Center Groningen
Classification: Benign for Congenital microvillous atrophy. Review status: no assertion criteria provided. Collection method: clinical testing. Allele origin: germline. Affected: yes. Study: VKGL Data-share Consensus. Not counted in ClinVar's aggregate classification.